The following is an entry in ClinVar:

ClinVar aggregate classification (germline): Benign/Likely benign. Review status: criteria provided, multiple submitters, no conflicts (2 of 4 stars). 4 submissions from 4 submitters: Benign (2); Likely benign (1). 1 of the submissions does not count toward it. Last evaluated 2026-01-24.

Conditions:
GTF2E2-related disorder. Also called: GTF2E2-related condition.

Allele frequency attached by ClinVar (database versions not stated): 1000 Genomes Project 0.00080; 1000 Genomes Project 30x 0.00094; ESP Exome Variant Server 0.00100; ExAC 0.00130; gnomAD exomes 0.00131 and 0.00183; gnomAD 0.00138 and 0.00140; TOPMed 0.00147.
gnomAD v4.1: 2,782 of 1,565,248 alleles (0.18%); highest among the groups gnomAD compares: Non-Finnish European, 0.22%; 7 homozygotes.

Submissions (4):

Labcorp Genetics (formerly Invitae), Labcorp
Classification: Benign. Last evaluated: 2026-01-24. Review status: criteria provided, single submitter. Criteria: Invitae Variant Classification Sherloc (09022015). Collection method: clinical testing. Allele origin: germline.

Blueprint Genetics
Classification: Likely benign. Last evaluated: 2024-10-30. Review status: criteria provided, single submitter. Criteria: ACMG Guidelines, 2015. Collection method: clinical testing. Allele origin: germline.

Breakthrough Genomics
Classification: Benign. Review status: criteria provided, single submitter. Criteria: ACMG Guidelines, 2015. Collection method: not provided. Allele origin: germline. Inheritance: Autosomal recessive inheritance. Affected: yes.

PreventionGenetics, part of Exact Sciences
Classification: Likely benign for GTF2E2-related condition. Last evaluated: 2024-01-29. Review status: no assertion criteria provided. Collection method: clinical testing. Allele origin: germline. Not counted in ClinVar's aggregate classification.
Comment: This variant is classified as likely benign based on ACMG/AMP sequence variant interpretation guidelines (Richards et al. 2015 PMID: 25741868, with internal and published modifications).

NM_002095.6(GTF2E2):c.549+5T>C

Gene: GTF2E2 (general transcription factor IIE subunit 2; minus strand). Cytogenetic location: 8p12.
Variant type: single nucleotide variant.
Coding change: c.549+5T>C on transcript NM_002095.6 (MANE Select); 5 bases into the intron after coding-DNA position 549, T replaced by C.
Molecular consequence: intron variant.
Genome position (GRCh38, 1-based): chr8:30,612,294, A>G on the plus strand (T>C on the coding strand, the complement: GTF2E2 is on the minus strand). VCF-style: chr8-30612294-A-G. GRCh37 (hg19) VCF-style: chr8-30469811-A-G.
Other names: c.549+5T>C (NM_001348353.1).
Identifiers: ClinVar variation 709102 (VCV000709102.14), dbSNP rs193287401, ClinGen allele CA4700954.